The following is an entry in ClinVar:

ClinVar aggregate classification (germline): Uncertain significance. Review status: criteria provided, multiple submitters, no conflicts (2 of 4 stars). 2 submissions from 2 submitters: Uncertain significance (2). Last evaluated 2021-11-26.

Allele frequency attached by ClinVar (database versions not stated): gnomAD exomes below 0.00001.
gnomAD v4.1: 2 of 1,613,852 alleles (0.00012%); highest among the groups gnomAD compares: African/African-American, 0.0013%; no homozygotes.

Submissions (2):

Blueprint Genetics
Classification: Uncertain significance. Last evaluated: 2021-11-26. Review status: criteria provided, single submitter. Criteria: ACMG Guidelines, 2015. Collection method: clinical testing. Allele origin: germline.

Labcorp Genetics (formerly Invitae), Labcorp
Classification: Uncertain significance. Last evaluated: 2021-08-17. Review status: criteria provided, single submitter. Criteria: Invitae Variant Classification Sherloc (09022015). Collection method: clinical testing. Allele origin: germline.
Comment: This sequence change replaces phenylalanine with serine at codon 130 of the PROM1 protein (p.Phe130Ser). The phenylalanine residue is moderately conserved and there is a large physicochemical difference between phenylalanine and serine. This variant is not present in population databases (ExAC no frequency). This variant has not been reported in the literature in individuals with PROM1-related conditions. Algorithms developed to predict the effect of missense changes on protein structure and function are either unavailable or do not agree on the potential impact of this missense change (SIFT: "Deleterious"; PolyPhen-2: "Probably Damaging"; Align-GVGD: "Class C0"). In summary, the available evidence is currently insufficient to determine the role of this variant in disease. Therefore, it has been classified as a Variant of Uncertain Significance.

NM_006017.3(PROM1):c.389T>C (p.Phe130Ser)

Gene: PROM1 (prominin 1; minus strand). Cytogenetic location: 4p15.32.
Variant type: single nucleotide variant.
Coding change: c.389T>C on transcript NM_006017.3 (MANE Select); coding-DNA position 389, T replaced by C.
Protein change: p.Phe130Ser; replaces phenylalanine 130 with serine.
Molecular consequence: missense variant.
Genome position (GRCh38, 1-based): chr4:16,033,424, A>G on the plus strand (T>C on the coding strand, the complement: PROM1 is on the minus strand). VCF-style: chr4-16033424-A-G. GRCh37 (hg19) VCF-style: chr4-16035047-A-G.
Other names: c.362T>C, p.Phe121Ser (NM_001145847.2, NM_001145848.2, NM_001145851.2 and 4 more transcripts); c.389T>C, p.Phe130Ser (NM_001145849.2, NM_001145850.2); short protein forms F121S, F130S.
Identifiers: ClinVar variation 1057831 (VCV001057831.10), dbSNP rs1560533404, ClinGen allele CA356427747.